The following is an entry in ClinVar:

ClinVar aggregate classification (germline): Uncertain significance (1 of 4 stars; one submission).

Conditions:
Emery-Dreifuss muscular dystrophy 4, autosomal dominant (EDMD4). Also called: EMERY-DREIFUSS MUSCULAR DYSTROPHY 4 WITH VARIABLE FEATURES. Identifiers: Orphanet 261, MedGen C2751807, MONDO:0013071, OMIM 612998.
Autosomal recessive ataxia, Beauce type. Also called: SYNE1 Deficiency; Spinocerebellar ataxia, autosomal recessive 8; ATAXIA, RECESSIVE, OF BEAUCE; SYNE1-Related Autosomal Recessive Cerebellar Ataxia. Identifiers: Orphanet 88644, MedGen C1853116, MONDO:0012549, OMIM 610743.

Allele frequency attached by ClinVar (database versions not stated): gnomAD exomes 0.00001.
gnomAD v4.1: 7 of 1,614,062 alleles (0.00043%); highest among the groups gnomAD compares: Non-Finnish European, 0.00059%; no homozygotes.

Submission:

Labcorp Genetics (formerly Invitae), Labcorp
Classification: Uncertain significance for Emery-Dreifuss muscular dystrophy 4, autosomal dominant; Autosomal recessive ataxia, Beauce type. Last evaluated: 2024-02-24. Review status: criteria provided, single submitter. Criteria: Invitae Variant Classification Sherloc (09022015). Collection method: clinical testing. Allele origin: germline.
Comment: This sequence change replaces glutamine, which is neutral and polar, with histidine, which is basic and polar, at codon 819 of the SYNE1 protein (p.Gln819His). This variant is not present in population databases (gnomAD no frequency). This variant has not been reported in the literature in individuals affected with SYNE1-related conditions. ClinVar contains an entry for this variant (Variation ID: 2056491). An algorithm developed to predict the effect of missense changes on protein structure and function (PolyPhen-2) suggests that this variant¬¨‚Ä†is likely to be tolerated. In summary, the available evidence is currently insufficient to determine the role of this variant in disease. Therefore, it has been classified as a Variant of Uncertain Significance.

NM_182961.4(SYNE1):c.2436G>C (p.Gln812His)

Gene: SYNE1 (spectrin repeat containing nuclear envelope protein 1; minus strand). Cytogenetic location: 6q25.2.
Variant type: single nucleotide variant.
Coding change: c.2436G>C on transcript NM_182961.4 (MANE Select); coding-DNA position 2436, G replaced by C.
Protein change: p.Gln812His; replaces glutamine 812 with histidine.
Molecular consequence: missense variant.
Genome position (GRCh38, 1-based): chr6:152,458,889, C>G on the plus strand (G>C on the coding strand, the complement: SYNE1 is on the minus strand). VCF-style: chr6-152458889-C-G. GRCh37 (hg19) VCF-style: chr6-152780024-C-G.
Other names: c.2457G>C, p.Gln819His (NM_033071.5); short protein forms Q812H, Q819H.
Identifiers: ClinVar variation 2056491 (VCV002056491.3), dbSNP rs2098714147, ClinGen allele CA366117837.